The following is an entry in ClinVar:

NM_002691.4(POLD1):c.1265del (p.Gly422fs)

Gene: POLD1 (DNA polymerase delta 1, catalytic subunit; plus strand). Cytogenetic location: 19q13.33.
Variant type: Deletion.
Coding change: c.1265del on transcript NM_002691.4 (MANE Select); coding-DNA position 1265, one base deleted (G; older notation c.1265delG).
Protein change: p.Gly422fs; shifts the reading frame from glycine 422.
Molecular consequence: frameshift variant. On other transcripts: non-coding transcript variant (1).
Genome position (GRCh38, 1-based): chr19:50,406,204, G deleted; the last of 3 consecutive G bases (chr19:50,406,202-50,406,204); deleting any one gives the same sequence. VCF-style (leftmost placement, unchanged base first): chr19-50406201-TG-T. GRCh37 (hg19) VCF-style: chr19-50909458-TG-T.
Other names: c.1265del, p.Gly422fs (NM_001256849.1, NM_001308632.1); short protein forms G422fs.
Identifiers: ClinVar variation 2131858 (VCV002131858.4), dbSNP rs1367048783, ClinGen allele CA633897316.

ClinVar aggregate classification (germline): Uncertain significance (1 of 4 stars; one submission).

Conditions:
POLD1-related polyposis and colorectal cancer syndrome (CRCS10). Also called: Colorectal cancer 10; COLORECTAL CANCER, SUSCEPTIBILITY TO, ON CHROMOSOME 19q; Colorectal cancer, susceptibility to, 10. Identifiers: Orphanet 220460, MedGen C2675481, MONDO:0012953, OMIM 612591.

Submission:

Labcorp Genetics (formerly Invitae), Labcorp
Classification: Uncertain significance for POLD1-related polyposis and colorectal cancer syndrome. Last evaluated: 2022-05-03. Review status: criteria provided, single submitter. Criteria: Invitae Variant Classification Sherloc (09022015). Collection method: clinical testing. Allele origin: germline.
Comment: This sequence change creates a premature translational stop signal (p.Gly422Alafs*56) in the POLD1 gene. Missense variants that disrupt the 3'-5' exonuclease (proof-reading) activity of the POLD1 protein are associated with an increased risk for colonic adenomatous polyps and colon cancer (PMID: 23263490, 23447401). However, loss-of-function variants that result in an absent or severely disrupted POLD1 protein, and missense variants outside the exonuclease domain, are unlikely to be associated with polyposis or colon cancer. In summary, the available evidence is currently insufficient to determine the role of this variant in disease. Therefore, it has been classified as a Variant of Uncertain Significance. This variant has not been reported in the literature in individuals affected with POLD1-related conditions. This variant is present in population databases (no rsID available, gnomAD 0.003%).

Literature cited by the submitters: PubMed 23263490; PubMed 23447401.